The following is an entry in ClinVar:

NM_001561.6(TNFRSF9):c.265A>C (p.Thr89Pro)

Gene: TNFRSF9 (TNF receptor superfamily member 9; minus strand). Cytogenetic location: 1p36.23.
Variant type: single nucleotide variant.
Coding change: c.265A>C on transcript NM_001561.6 (MANE Select); coding-DNA position 265, A replaced by C.
Protein change: p.Thr89Pro; replaces threonine 89 with proline.
Molecular consequence: missense variant.
Genome position (GRCh38, 1-based): chr1:7,938,274, T>G on the plus strand (A>C on the coding strand, the complement: TNFRSF9 is on the minus strand). VCF-style: chr1-7938274-T-G. GRCh37 (hg19) VCF-style: chr1-7998334-T-G.
Other names: c.265A>C (NM_001561.5); short protein forms T89P.
Identifiers: ClinVar variation 1433171 (VCV001433171.6), dbSNP rs752678621, ClinGen allele CA569294.

ClinVar aggregate classification (germline): Uncertain significance. Review status: criteria provided, multiple submitters, no conflicts (2 of 4 stars). 2 submissions from 2 submitters: Uncertain significance (2). Last evaluated 2025-03-31.

Conditions:
Inborn genetic diseases. Identifiers: MedGen C0950123, MeSH D030342.

Allele frequency attached by ClinVar (database versions not stated): gnomAD 0.00003 and 0.00005; TOPMed 0.00003; gnomAD exomes 0.00006 and 0.00010; ExAC 0.00012.
gnomAD v4.1: 98 of 1,608,942 alleles (0.0061%); highest among the groups gnomAD compares: South Asian, 0.065%; no homozygotes.

Submissions (2):

Labcorp Genetics (formerly Invitae), Labcorp
Classification: Uncertain significance. Last evaluated: 2025-03-31. Review status: criteria provided, single submitter. Criteria: Invitae Variant Classification Sherloc (09022015). Collection method: clinical testing. Allele origin: germline.
Comment: This sequence change replaces threonine, which is neutral and polar, with proline, which is neutral and non-polar, at codon 89 of the TNFRSF9 protein (p.Thr89Pro). This variant is present in population databases (rs752678621, gnomAD 0.06%). This variant has not been reported in the literature in individuals affected with TNFRSF9-related conditions. ClinVar contains an entry for this variant (Variation ID: 1433171). An algorithm developed to predict the effect of missense changes on protein structure and function outputs the following: PolyPhen-2: "Benign". The proline amino acid residue is found in multiple mammalian species, which suggests that this missense change does not adversely affect protein function. In summary, the available evidence is currently insufficient to determine the role of this variant in disease. Therefore, it has been classified as a Variant of Uncertain Significance.

Ambry Genetics
Classification: Uncertain significance for Inborn genetic diseases. Last evaluated: 2024-08-14. Review status: criteria provided, single submitter. Criteria: Ambry Variant Classification Scheme 2023. Collection method: clinical testing. Allele origin: germline.